The following is an entry in ClinVar:

ClinVar aggregate classification (germline): Likely benign (1 of 4 stars; one submission).

gnomAD v4.1: 1 of 1,613,948 alleles (0.000062%); highest among the groups gnomAD compares: Non-Finnish European, 0.000085%; no homozygotes.

Submission:

CeGaT Center for Human Genetics Tuebingen
Classification: Likely benign. Last evaluated: 2025-03-01. Review status: criteria provided, single submitter. Criteria: CeGaT Center For Human Genetics Tuebingen Variant Classification Criteria Version 2. Collection method: clinical testing. Allele origin: germline. Affected: yes. Observed: 1 variant allele.
Comment: SRP54: BP4, BP7

NM_003136.4(SRP54):c.1227A>T (p.Gly409=)

Gene: SRP54 (signal recognition particle 54; plus strand). Cytogenetic location: 14q13.2.
Variant type: single nucleotide variant.
Coding change: c.1227A>T on transcript NM_003136.4 (MANE Select); coding-DNA position 1227, A replaced by T.
Protein change: p.Gly409=; no amino-acid change (glycine 409 retained).
Molecular consequence: synonymous variant. On other transcripts: intron variant (1).
Genome position (GRCh38, 1-based): chr14:35,022,980, A>T. VCF-style: chr14-35022980-A-T. GRCh37 (hg19) VCF-style: chr14-35492186-A-T.
Other names: c.1080A>T, p.Gly360= (NM_001146282.2); c.1156+3906A>T (NM_001411017.1).
Identifiers: ClinVar variation 3778447 (VCV003778447.7).